The following is an entry in ClinVar:

ClinVar aggregate classification (germline): Likely benign. Review status: criteria provided, multiple submitters, no conflicts (2 of 4 stars). 2 submissions from 2 submitters: Likely benign (2). Last evaluated 2024-09-01.

Conditions:
Spastic paraplegia. Identifiers: MedGen C0037772, HP:0001258.

Allele frequency attached by ClinVar (database versions not stated): gnomAD exomes 0.00002 and 0.00003; TOPMed 0.00002; ExAC 0.00003.
gnomAD v4.1: 18 of 1,211,072 alleles (0.0015%); highest among the groups gnomAD compares: Non-Finnish European, 0.0019%; no homozygotes.

Submissions (2):

CeGaT Center for Human Genetics Tuebingen
Classification: Likely benign. Last evaluated: 2024-09-01. Review status: criteria provided, single submitter. Criteria: CeGaT Center For Human Genetics Tuebingen Variant Classification Criteria Version 2. Collection method: clinical testing. Allele origin: germline. Affected: yes. Observed: 1 variant allele.
Comment: L1CAM: BP4, BS2

Labcorp Genetics (formerly Invitae), Labcorp
Classification: Likely benign for Spastic paraplegia. Last evaluated: 2024-07-31. Review status: criteria provided, single submitter. Criteria: Invitae Variant Classification Sherloc (09022015). Collection method: clinical testing. Allele origin: germline.

NM_001278116.2(L1CAM):c.1781G>A (p.Ser594Asn)

Gene: L1CAM (L1 cell adhesion molecule; minus strand). Cytogenetic location: Xq28.
Variant type: single nucleotide variant.
Coding change: c.1781G>A on transcript NM_001278116.2 (MANE Select); coding-DNA position 1781, G replaced by A.
Protein change: p.Ser594Asn; replaces serine 594 with asparagine.
Molecular consequence: missense variant.
Genome position (GRCh38, 1-based): chrX:153,868,045, C>T on the plus strand (G>A on the coding strand, the complement: L1CAM is on the minus strand). VCF-style: chrX-153868045-C-T. GRCh37 (hg19) VCF-style: chrX-153133500-C-T.
Other names: c.1781G>A, p.Ser594Asn (NM_000425.5, NM_024003.3); c.1766G>A, p.Ser589Asn (NM_001143963.2); short protein forms S589N, S594N.
Identifiers: ClinVar variation 1619581 (VCV001619581.23), dbSNP rs202107752, ClinGen allele CA10554301.
Genomic context (GRCh38, chrX:153,868,045, plus strand): 5'-CCCTAGGACTTACCCACCACCAAGAGCTGTGCCCTACTCTCCACCACATCCAGTTCGGTA[C>T]TGGCCACGCAGCTGTAGTTGCCCTGGTCGCTGTAGTCCAGGCTGTGGATGACCAGGCGCC-3'
Protein context (NP_001265045.1, residues 584-604): SDQGNYSCVA[Ser594Asn]TELDVVESRA